The following is an entry in ClinVar:

NC_000012.12:g.121626794C>G

Genes: ORAI1 (ORAI calcium release-activated calcium modulator 1; plus strand), LOC130008987 (ATAC-STARR-seq lymphoblastoid silent region 4981; plus strand). Cytogenetic location: 12q24.31.
Variant type: single nucleotide variant.
Genome position: GRCh38 VCF-style: chr12-121626794-C-G. GRCh37 (hg19) VCF-style: chr12-122064699-C-G.
Other names: c.52C>G, p.Pro18Ala (NM_032790.4); short protein forms P18A.
Identifiers: ClinVar variation 1717834 (VCV001717834.6), dbSNP rs2503521533, ClinGen allele CA386980352.

ClinVar aggregate classification (germline): Uncertain significance (1 of 4 stars; one submission).

Conditions:
Combined immunodeficiency due to ORAI1 deficiency. Also called: IMMUNODEFICIENCY 9. Identifiers: Orphanet 169090, Orphanet 317428, MedGen C2748568, MONDO:0013007, OMIM 612782.
Myopathy, tubular aggregate, 2 (TAM2). Identifiers: MedGen C4014557, MONDO:0014383, OMIM 615883.

Submission:

Labcorp Genetics (formerly Invitae), Labcorp
Classification: Uncertain significance for Myopathy, tubular aggregate, 2; Combined immunodeficiency due to ORAI1 deficiency. Last evaluated: 2022-08-23. Review status: criteria provided, single submitter. Criteria: Invitae Variant Classification Sherloc (09022015). Collection method: clinical testing. Allele origin: germline.
Comment: This sequence change replaces proline, which is neutral and non-polar, with alanine, which is neutral and non-polar, at codon 18 of the ORAI1 protein (p.Pro18Ala). This variant is not present in population databases (gnomAD no frequency). This variant has not been reported in the literature in individuals affected with ORAI1-related conditions. Experimental studies and prediction algorithms are not available or were not evaluated, and the functional significance of this variant is currently unknown. In summary, the available evidence is currently insufficient to determine the role of this variant in disease. Therefore, it has been classified as a Variant of Uncertain Significance.